The following is an entry in ClinVar:

NM_001148.6(ANK2):c.8611A>T (p.Ile2871Phe)

Gene: ANK2 (ankyrin 2; plus strand). Cytogenetic location: 4q26.
Variant type: single nucleotide variant.
Coding change: c.8611A>T on transcript NM_001148.6 (MANE Select); coding-DNA position 8611, A replaced by T.
Protein change: p.Ile2871Phe; replaces isoleucine 2871 with phenylalanine.
Molecular consequence: missense variant. On other transcripts: intron variant (68).
Genome position (GRCh38, 1-based): chr4:113,357,229, A>T. VCF-style: chr4-113357229-A-T. GRCh37 (hg19) VCF-style: chr4-114278385-A-T.
Other names: c.8377A>T, p.Ile2793Phe (NM_001386142.1); c.5011A>T, p.Ile1671Phe (NM_001386166.1); c.8752A>T, p.Ile2918Phe (NM_001386174.1); c.8728A>T, p.Ile2910Phe (NM_001386175.1); c.4412-3594A>T (NM_001386186.2, NM_001386148.2); c.4214-3594A>T (NM_001354269.3); c.4292-3594A>T (NM_001386187.2); c.4253-3594A>T (NM_001386147.1); and 35 more; short protein forms I2910F, I2793F, I2871F, I2918F, I1671F.
Identifiers: ClinVar variation 3294840 (VCV003294840.1).

ClinVar aggregate classification (germline): Uncertain significance (1 of 4 stars; one submission).

Conditions:
Cardiovascular phenotype. Identifiers: MedGen CN230736.

gnomAD v4.1: 1 of 1,614,098 alleles (0.000062%); highest among the groups gnomAD compares: Non-Finnish European, 0.000085%; no homozygotes.

Submission:

Ambry Genetics
Classification: Uncertain significance for Cardiovascular phenotype. Last evaluated: 2024-04-08. Review status: criteria provided, single submitter. Criteria: Ambry Variant Classification Scheme 2023. Collection method: clinical testing. Allele origin: germline.
Comment: The p.I2871F variant (also known as c.8611A>T), located in coding exon 38 of the ANK2 gene, results from an A to T substitution at nucleotide position 8611. The isoleucine at codon 2871 is replaced by phenylalanine, an amino acid with highly similar properties. This amino acid position is conserved. In addition, this alteration is predicted to be tolerated by in silico analysis. Based on the available evidence, the clinical significance of this variant remains unclear.